The following is an entry in ClinVar:

NM_173689.7(CRB2):c.2789C>T (p.Ala930Val)

Gene: CRB2 (crumbs cell polarity complex component 2; plus strand). Cytogenetic location: 9q33.3.
Variant type: single nucleotide variant.
Coding change: c.2789C>T on transcript NM_173689.7 (MANE Select); coding-DNA position 2789, C replaced by T.
Protein change: p.Ala930Val; replaces alanine 930 with valine.
Molecular consequence: missense variant. On other transcripts: non-coding transcript variant (1).
Genome position (GRCh38, 1-based): chr9:123,373,320, C>T. VCF-style: chr9-123373320-C-T. GRCh37 (hg19) VCF-style: chr9-126135599-C-T.
Other names: p.Ala930Val; c.2789C>T (NM_173689.5); short protein forms A930V.
Identifiers: ClinVar variation 736780 (VCV000736780.16), dbSNP rs561402183, ClinGen allele CA5232296.
Genomic context (GRCh38, chr9:123,373,320, plus strand): 5'-TGCGTGCCGCGGCGGGCGCCCTGGAAGGCGTGTGGCTGGCGGTGCGCAATGGCTCGCTGG[C>T]GGGGGGCGTGCGCGGAGGCCATGGCCTGCCCGGCGCTGTGCTGCCCATACCGGGGCCGCG-3'
Protein context (NP_775960.4, residues 920-940): VWLAVRNGSL[Ala930Val]GGVRGGHGLP

ClinVar aggregate classification (germline): Benign/Likely benign. Review status: criteria provided, multiple submitters, no conflicts (2 of 4 stars). 7 submissions from 7 submitters: Benign (2); Likely benign (4). 1 of the submissions does not count toward it. Last evaluated 2025-12-18.

Conditions:
Ventriculomegaly-cystic kidney disease. Also called: Ventriculomegaly with cystic kidney disease. Identifiers: Orphanet 443988, MedGen C1857423, MONDO:0009063, OMIM 219730.
Focal segmental glomerulosclerosis 9 (FSGS9). Identifiers: Orphanet 656, MedGen C4015555, MONDO:0014539, OMIM 616220.
CRB2-related disorder. Also called: CRB2-related condition; CRB2-related disorders.
Inborn genetic diseases. Identifiers: MedGen C0950123, MeSH D030342.

Allele frequency attached by ClinVar (database versions not stated): ExAC 0.00018; gnomAD exomes 0.00029; 1000 Genomes Project 0.00120; 1000 Genomes Project 30x 0.00156; gnomAD 0.00162 and 0.00178; TOPMed 0.00195.
gnomAD v4.1: 433 of 1,450,304 alleles (0.03%); highest among the groups gnomAD compares: African/African-American, 0.54%; 4 homozygotes.

Submissions (8):

Labcorp Genetics (formerly Invitae), Labcorp
Classification: Benign. Last evaluated: 2025-12-18. Review status: criteria provided, single submitter. Criteria: Invitae Variant Classification Sherloc (09022015). Collection method: clinical testing. Allele origin: germline.

Ambry Genetics
Classification: Likely benign for Inborn genetic diseases. Last evaluated: 2025-10-22. Review status: criteria provided, single submitter. Criteria: Ambry Variant Classification Scheme 2023. Collection method: clinical testing. Allele origin: germline.

Mayo Clinic Laboratories, Mayo Clinic
Classification: Likely benign. Last evaluated: 2024-12-27. Review status: criteria provided, single submitter. Criteria: ACMG Guidelines, 2015. Collection method: clinical testing. Allele origin: germline. Observed: 1 variant allele.
Comment: BS1, BP4_moderate

Blueprint Genetics
Classification: Likely benign. Last evaluated: 2024-09-02. Review status: criteria provided, single submitter. Criteria: ACMG Guidelines, 2015. Collection method: clinical testing. Allele origin: germline.

Fulgent Genetics
Classification: Likely benign for Ventriculomegaly-cystic kidney disease; Focal segmental glomerulosclerosis 9. Last evaluated: 2022-05-18. Review status: criteria provided, single submitter. Criteria: ACMG Guidelines, 2015. Collection method: clinical testing. Allele origin: unknown.

Breakthrough Genomics
Classification: Benign. Review status: criteria provided, single submitter. Criteria: ACMG Guidelines, 2015. Collection method: not provided. Allele origin: germline. Inheritance: Autosomal recessive inheritance. Affected: yes.

PreventionGenetics, part of Exact Sciences
Classification: Likely benign for CRB2-related condition. Last evaluated: 2020-10-22. Review status: no assertion criteria provided. Collection method: clinical testing. Allele origin: germline. Not counted in ClinVar's aggregate classification.
Comment: This variant is classified as likely benign based on ACMG/AMP sequence variant interpretation guidelines (Richards et al. 2015 PMID: 25741868, with internal and published modifications).

Dr. Peter K. Rogan Lab, Western University
No classification provided (evidence only). Condition: Cervical cancer. Review status: no classification provided. Collection method: in vitro. Allele origin: not applicable. Functional consequence: retained intron. Not counted in ClinVar's aggregate classification.